The following is an entry in ClinVar:

ClinVar aggregate classification (germline): Uncertain significance (1 of 4 stars; one submission).

Submission:

Labcorp Genetics (formerly Invitae), Labcorp
Classification: Uncertain significance. Last evaluated: 2022-06-15. Review status: criteria provided, single submitter. Criteria: Invitae Variant Classification Sherloc (09022015). Collection method: clinical testing. Allele origin: germline.
Comment: This sequence change replaces proline, which is neutral and non-polar, with serine, which is neutral and polar, at codon 2079 of the UNC80 protein (p.Pro2079Ser). This variant is not present in population databases (gnomAD no frequency). This variant has not been reported in the literature in individuals affected with UNC80-related conditions. Algorithms developed to predict the effect of missense changes on protein structure and function are either unavailable or do not agree on the potential impact of this missense change (SIFT: "Not Available"; PolyPhen-2: "Probably Damaging"; Align-GVGD: "Not Available"). Algorithms developed to predict the effect of sequence changes on RNA splicing suggest that this variant may disrupt the consensus splice site. In summary, the available evidence is currently insufficient to determine the role of this variant in disease. Therefore, it has been classified as a Variant of Uncertain Significance.

NM_001371986.1(UNC80):c.6433C>T (p.Pro2145Ser)

Gene: UNC80 (unc-80 homolog, NALCN channel complex subunit; plus strand). Cytogenetic location: 2q34.
Variant type: single nucleotide variant.
Coding change: c.6433C>T on transcript NM_001371986.1 (MANE Select); coding-DNA position 6433, C replaced by T.
Protein change: p.Pro2145Ser; replaces proline 2145 with serine.
Molecular consequence: missense variant.
Genome position (GRCh38, 1-based): chr2:209,937,598, C>T. VCF-style: chr2-209937598-C-T. GRCh37 (hg19) VCF-style: chr2-210802322-C-T.
Other names: c.6235C>T, p.Pro2079Ser (NM_032504.2); c.6220C>T, p.Pro2074Ser (NM_182587.4); short protein forms P2079S, P2074S, P2145S.
Identifiers: ClinVar variation 2128178 (VCV002128178.1), dbSNP rs1405762622, ClinGen allele CA350771673.